The following is an entry in ClinVar:

ClinVar aggregate classification (germline): Conflicting classifications of pathogenicity. Review status: criteria provided, conflicting classifications (1 of 4 stars). 2 submissions from 2 submitters: Uncertain significance (1); Likely benign (1). Last evaluated 2024-10-21.

Conditions:
Hereditary leiomyomatosis and renal cell cancer. Also called: Familial leiomyomatosis; FH tumor predisposition syndrome; MULTIPLE CUTANEOUS AND UTERINE LEIOMYOMATA 1, WITH OR WITHOUT RENAL CELL CARCINOMA; LEIOMYOMA, MULTIPLE CUTANEOUS; Reed syndrome; Multiple cutaneous and uterine leiomyomatosis. Identifiers: Orphanet 523, MedGen C1708350, MONDO:0007888, OMIM 150800, HP:0007437. Disease mechanism: loss of function.

Submissions (2):

Myriad Genetics, Inc.
Classification: Likely benign for Hereditary leiomyomatosis and renal cell cancer. Last evaluated: 2024-10-21. Review status: criteria provided, single submitter. Criteria: Myriad Autosomal Dominant, Autosomal Recessive and X-Linked Classification Criteria (2023). Collection method: clinical testing. Allele origin: unknown.
Comment: This variant is considered likely benign. This variant is intronic and is not expected to impact mRNA splicing.

Labcorp Genetics (formerly Invitae), Labcorp
Classification: Uncertain significance. Last evaluated: 2023-09-01. Review status: criteria provided, single submitter. Criteria: Invitae Variant Classification Sherloc (09022015). Collection method: clinical testing. Allele origin: germline.
Comment: Variants that disrupt the consensus splice site are a relatively common cause of aberrant splicing (PMID: 17576681, 9536098). Algorithms developed to predict the effect of sequence changes on RNA splicing suggest that this variant is not likely to affect RNA splicing. This variant has not been reported in the literature in individuals affected with FH-related conditions. This variant is not present in population databases (gnomAD no frequency). In summary, the available evidence is currently insufficient to determine the role of this variant in disease. Therefore, it has been classified as a Variant of Uncertain Significance. This sequence change falls in intron 8 of the FH gene. It does not directly change the encoded amino acid sequence of the FH protein. It affects a nucleotide within the consensus splice site.

Literature cited by the submitters: PubMed 17576681 (cited by Labcorp Genetics (formerly Invitae), Labcorp); PubMed 9536098 (cited by Labcorp Genetics (formerly Invitae), Labcorp).

NM_000143.4(FH):c.1236+6C>T

Gene: FH (fumarate hydratase; minus strand). Cytogenetic location: 1q43.
Variant type: single nucleotide variant.
Coding change: c.1236+6C>T on transcript NM_000143.4 (MANE Select); 6 bases into the intron after coding-DNA position 1236, C replaced by T.
Molecular consequence: intron variant.
Genome position (GRCh38, 1-based): chr1:241,502,437, G>A on the plus strand (C>T on the coding strand, the complement: FH is on the minus strand). VCF-style: chr1-241502437-G-A. GRCh37 (hg19) VCF-style: chr1-241665737-G-A.
Identifiers: ClinVar variation 2884067 (VCV002884067.4), dbSNP rs2527316484, ClinGen allele CA2739274034.